The following is an entry in ClinVar:

ClinVar aggregate classification (germline): Likely pathogenic (1 of 4 stars; one submission).

Submission:

GeneDx
Classification: Likely pathogenic. Last evaluated: 2019-05-20. Review status: criteria provided, single submitter. Criteria: GeneDx Variant Classification Process June 2021. Collection method: clinical testing. Allele origin: germline. Affected: yes.
Comment: Canonical splice site variant in a gene for which loss-of-function is a known mechanism of disease; Not observed in large population cohorts (Lek et al., 2016); Has not been previously published as pathogenic or benign to our knowledge

NM_001374828.1(ARID1B):c.3089+2T>C

Gene: ARID1B (AT-rich interaction domain 1B; plus strand). Cytogenetic location: 6q25.3.
Variant type: single nucleotide variant.
Coding change: c.3089+2T>C on transcript NM_001374828.1 (MANE Select); the canonical splice donor site of the intron after coding-DNA position 3089, T replaced by C.
Molecular consequence: splice donor variant.
Genome position (GRCh38, 1-based): chr6:157,148,953, T>C. VCF-style: chr6-157148953-T-C. GRCh37 (hg19) VCF-style: chr6-157470087-T-C.
Other names: c.2879+2T>C (NM_020732.3); c.3128+2T>C (NM_001371656.1, NM_001374820.1); c.3089+2T>C (NM_017519.3); c.590+2T>C (NM_001363725.2).
Identifiers: ClinVar variation 373273 (VCV000373273.3), dbSNP rs1057518318, ClinGen allele CA16042556.
Genomic context (GRCh38, chr6:157,148,953, plus strand): 5'-AAGGCACAGGAGGCAGCCGCAGCAGTGATGCAGGCTGCTGCGAACTCAGCACAAAGCAGG[T>C]ACGCCACCCAGGAGCACGCCCCGGGCAGGTACGCTGTGTGTCTACCCGTGACCACGTGAC-3'